The following is an entry in ClinVar:

NM_032444.4(SLX4):c.2779G>A (p.Ala927Thr)

Gene: SLX4 (SLX4 structure-specific endonuclease subunit; minus strand). Cytogenetic location: 16p13.3.
Variant type: single nucleotide variant.
Coding change: c.2779G>A on transcript NM_032444.4 (MANE Select); coding-DNA position 2779, G replaced by A.
Protein change: p.Ala927Thr; replaces alanine 927 with threonine.
Molecular consequence: missense variant.
Genome position (GRCh38, 1-based): chr16:3,590,859, C>T on the plus strand (G>A on the coding strand, the complement: SLX4 is on the minus strand). VCF-style: chr16-3590859-C-T. GRCh37 (hg19) VCF-style: chr16-3640860-C-T.
Other names: short protein forms A927T.
Identifiers: ClinVar variation 1016395 (VCV001016395.8), dbSNP rs767916829, ClinGen allele CA7866074.
Genomic context (GRCh38, chr16:3,590,859, plus strand): 5'-CCTGCTCAGGGGCCTCTGCTCCCCGTGCCCCTGAGTGCTGGCCCTGGGGTGGCGGGAGAG[C>T]GCACTGTCCCATCTTCTCCCAGGTGGTGGCGGCCTCATCTCTTCCTGGCTCCAACGGCTC-3'
Protein context (NP_115820.2, residues 917-937): ATTWEKMGQC[Ala927Thr]LPPPQGQHSG

ClinVar aggregate classification (germline): Uncertain significance (1 of 4 stars; one submission).

Conditions:
Fanconi anemia (FA). Also called: Fanconi's anemia. Identifiers: Orphanet 84, MedGen C0015625, MeSH D005199, MONDO:0019391.

Allele frequency attached by ClinVar (database versions not stated): gnomAD 0.00001; ExAC 0.00003; gnomAD exomes 0.00003.
gnomAD v4.1: 39 of 1,613,958 alleles (0.0024%); highest among the groups gnomAD compares: East Asian, 0.013%; 1 homozygote.

Submission:

Labcorp Genetics (formerly Invitae), Labcorp
Classification: Uncertain significance for Fanconi anemia. Last evaluated: 2025-11-25. Review status: criteria provided, single submitter. Criteria: Invitae Variant Classification Sherloc (09022015). Collection method: clinical testing. Allele origin: germline.
Comment: This sequence change replaces alanine, which is neutral and non-polar, with threonine, which is neutral and polar, at codon 927 of the SLX4 protein (p.Ala927Thr). This variant is present in population databases (rs767916829, gnomAD 0.01%). This variant has not been reported in the literature in individuals affected with SLX4-related conditions. ClinVar contains an entry for this variant (Variation ID: 1016395). An algorithm developed to predict the effect of missense changes on protein structure and function outputs the following: PolyPhen-2: "Benign". The threonine amino acid residue is found in multiple mammalian species, which suggests that this missense change does not adversely affect protein function. In summary, the available evidence is currently insufficient to determine the role of this variant in disease. Therefore, it has been classified as a Variant of Uncertain Significance.